The following is an entry in ClinVar:

ClinVar aggregate classification (germline): Likely benign. Review status: criteria provided, multiple submitters, no conflicts (2 of 4 stars). 4 submissions from 4 submitters: Likely benign (4). Last evaluated 2024-10-27.

Conditions:
Cardiovascular phenotype. Identifiers: MedGen CN230736.
Arrhythmogenic right ventricular dysplasia 10. Also called: Arrhythmogenic Right Ventricular Dysplasia/Cardiomyopathy10; ARRHYTHMOGENIC RIGHT VENTRICULAR DYSPLASIA, FAMILIAL, 10; Arrhythmogenic right ventricular dysplasia/cardiomyopathy, type 10. Identifiers: MedGen C1857777, MONDO:0012434, OMIM 610193.
Arrhythmogenic right ventricular cardiomyopathy (ARVD). Also called: Arrhythmogenic cardiomyopathy; Cardiomyopathy, ARVC; Arrhythmogenic right ventricular dysplasia; Arrhythmogenic Right Ventricular Cardiomyopathy (ARVC). Identifiers: Orphanet 247, MedGen C0349788, MeSH D019571, MONDO:0016587. Disease mechanism: loss of function. Inheritance: Various modes of inheritance.
Cardiomyopathy (CMYO). Also called: Cardiomyopathies. Identifiers: Orphanet 167848, MedGen C0878544, MONDO:0004994, HP:0001638. Inheritance: Various modes of inheritance.

Allele frequency attached by ClinVar (database versions not stated): gnomAD 0.00001; TOPMed 0.00001.

Submissions (4):

Ambry Genetics
Classification: Likely benign for Cardiovascular phenotype. Last evaluated: 2024-10-27. Review status: criteria provided, single submitter. Criteria: Ambry Variant Classification Scheme 2023. Collection method: clinical testing. Allele origin: germline.

Labcorp Genetics (formerly Invitae), Labcorp
Classification: Likely benign for Arrhythmogenic right ventricular dysplasia 10. Last evaluated: 2024-10-18. Review status: criteria provided, single submitter. Criteria: Invitae Variant Classification Sherloc (09022015). Collection method: clinical testing. Allele origin: germline.

All of Us Research Program, National Institutes of Health
Classification: Likely benign for Arrhythmogenic right ventricular cardiomyopathy. Last evaluated: 2023-06-15. Review status: criteria provided, single submitter. Criteria: ACMG Guidelines, 2015. Collection method: clinical testing. Allele origin: germline. Inheritance: Autosomal dominant inheritance. Observed: 1 variant allele, 1 heterozygote.
Comment: This study involves interpretation of variants in research participants for the purpose of population health screening. Participant phenotype was not available at the time of variant classification. Additional details can be found in publication PMID: 35346344, PMCID: PMC8962531

Color Diagnostics, LLC DBA Color Health
Classification: Likely benign for Cardiomyopathy. Last evaluated: 2020-08-24. Review status: criteria provided, single submitter. Criteria: ACMG Guidelines, 2015. Collection method: clinical testing. Allele origin: germline.

NM_001943.5(DSG2):c.3309T>C (p.Ser1103=)

Genes: DSG2-AS1 (DSG2 antisense RNA 1; minus strand), DSG2 (desmoglein 2; plus strand). Cytogenetic location: 18q12.1.
Variant type: single nucleotide variant.
Coding change: c.3309T>C on transcript NM_001943.5 (MANE Select); coding-DNA position 3309, T replaced by C.
Protein change: p.Ser1103=; no amino-acid change (serine 1103 retained).
Molecular consequence: synonymous variant.
Genome position (GRCh38, 1-based): chr18:31,546,695, T>C. VCF-style: chr18-31546695-T-C. GRCh37 (hg19) VCF-style: chr18-29126658-T-C.
Identifiers: ClinVar variation 753843 (VCV000753843.13), dbSNP rs1195224927, ClinGen allele CA503767178.